The following is an entry in ClinVar:

ClinVar aggregate classification (germline): Likely benign. Review status: criteria provided, multiple submitters, no conflicts (2 of 4 stars). 4 submissions from 4 submitters: Likely benign (3). 1 of the submissions does not count toward it. Last evaluated 2026-01-31.

Conditions:
MSH3-related disorder. Also called: MSH3-related condition.

Allele frequency attached by ClinVar (database versions not stated): TOPMed 0.00002; gnomAD 0.00003; gnomAD exomes 0.00003; ESP Exome Variant Server 0.00015.
gnomAD v4.1: 27 of 1,613,590 alleles (0.0017%); highest among the groups gnomAD compares: African/African-American, 0.0093%; no homozygotes.

Submissions (4):

Labcorp Genetics (formerly Invitae), Labcorp
Classification: Likely benign. Last evaluated: 2026-01-31. Review status: criteria provided, single submitter. Criteria: Invitae Variant Classification Sherloc (09022015). Collection method: clinical testing. Allele origin: germline.

Center for Genomic Medicine, Rigshospitalet, Copenhagen University Hospital
Classification: Likely benign. Last evaluated: 2025-12-29. Review status: criteria provided, single submitter. Criteria: ACMG Guidelines, 2015. Collection method: clinical testing. Allele origin: germline.

Quest Diagnostics Nichols Institute San Juan Capistrano
Classification: Likely benign. Last evaluated: 2021-08-03. Review status: criteria provided, single submitter. Criteria: Quest Diagnostics criteria. Collection method: clinical testing. Allele origin: unknown.

PreventionGenetics, part of Exact Sciences
Classification: Likely benign for MSH3-related condition. Last evaluated: 2023-10-30. Review status: no assertion criteria provided. Collection method: clinical testing. Allele origin: germline. Not counted in ClinVar's aggregate classification.
Comment: This variant is classified as likely benign based on ACMG/AMP sequence variant interpretation guidelines (Richards et al. 2015 PMID: 25741868, with internal and published modifications).

NM_002439.5(MSH3):c.3302+7G>T

Gene: MSH3 (mutS homolog 3; plus strand). Cytogenetic location: 5q14.1.
Variant type: single nucleotide variant.
Coding change: c.3302+7G>T on transcript NM_002439.5 (MANE Select); 7 bases into the intron after coding-DNA position 3302, G replaced by T.
Molecular consequence: intron variant.
Genome position (GRCh38, 1-based): chr5:80,873,294, G>T. VCF-style: chr5-80873294-G-T. GRCh37 (hg19) VCF-style: chr5-80169113-G-T.
Identifiers: ClinVar variation 754647 (VCV000754647.14), dbSNP rs371218489, ClinGen allele CA3328500.